The following is an entry in ClinVar:

ClinVar aggregate classification (germline): Uncertain significance (1 of 4 stars; one submission).

Allele frequency attached by ClinVar (database versions not stated): gnomAD exomes below 0.00001; ExAC 0.00002.
gnomAD v4.1: 1 of 1,613,034 alleles (0.000062%); highest among the groups gnomAD compares: Non-Finnish European, 0.000085%; no homozygotes.

Submission:

Labcorp Genetics (formerly Invitae), Labcorp
Classification: Uncertain significance. Last evaluated: 2023-12-28. Review status: criteria provided, single submitter. Criteria: Invitae Variant Classification Sherloc (09022015). Collection method: clinical testing. Allele origin: germline.
Comment: This sequence change replaces proline, which is neutral and non-polar, with serine, which is neutral and polar, at codon 332 of the MYO3A protein (p.Pro332Ser). This variant is present in population databases (rs779029724, gnomAD 0.002%). This variant has not been reported in the literature in individuals affected with MYO3A-related conditions. Advanced modeling of protein sequence and biophysical properties (such as structural, functional, and spatial information, amino acid conservation, physicochemical variation, residue mobility, and thermodynamic stability) performed at Invitae indicates that this missense variant is not expected to disrupt MYO3A protein function with a negative predictive value of 80%. In summary, the available evidence is currently insufficient to determine the role of this variant in disease. Therefore, it has been classified as a Variant of Uncertain Significance.

NM_017433.5(MYO3A):c.994C>T (p.Pro332Ser)

Gene: MYO3A (myosin IIIA; plus strand). Cytogenetic location: 10p12.1.
Variant type: single nucleotide variant.
Coding change: c.994C>T on transcript NM_017433.5 (MANE Select); coding-DNA position 994, C replaced by T.
Protein change: p.Pro332Ser; replaces proline 332 with serine.
Molecular consequence: missense variant.
Genome position (GRCh38, 1-based): chr10:26,067,015, C>T. VCF-style: chr10-26067015-C-T. GRCh37 (hg19) VCF-style: chr10-26355944-C-T.
Other names: short protein forms P332S.
Identifiers: ClinVar variation 2794942 (VCV002794942.3), dbSNP rs779029724, ClinGen allele CA5444523.